The following is an entry in ClinVar:

ClinVar aggregate classification (germline): Pathogenic (0 of 4 stars; one submission).

Conditions:
NR5A1-related disorder. Also called: NR5A1-related condition.

Submission:

PreventionGenetics, part of Exact Sciences
Classification: Pathogenic for NR5A1-related condition. Last evaluated: 2024-03-15. Review status: no assertion criteria provided. Collection method: clinical testing. Allele origin: germline.
Comment: The NR5A1 c.1169delT variant is predicted to result in a frameshift and premature protein termination (p.Val390Glyfs*40). To our knowledge, this variant has not been reported in the literature or in a large population database, indicating this variant is rare. Frameshift variants in NR5A1 are expected to be pathogenic. This variant is interpreted as pathogenic.

NM_004959.5(NR5A1):c.1169del (p.Val390fs)

Gene: NR5A1 (nuclear receptor subfamily 5 group A member 1; minus strand). Cytogenetic location: 9q33.3.
Variant type: Deletion.
Coding change: c.1169del on transcript NM_004959.5 (MANE Select); coding-DNA position 1169, one base deleted (T; older notation c.1169delT).
Protein change: p.Val390fs; shifts the reading frame from valine 390.
Molecular consequence: frameshift variant.
Genome position (GRCh38, 1-based): chr9:124,482,975, A deleted on the plus strand (T on the coding strand, the reverse complement: NR5A1 is on the minus strand). VCF-style (leftmost placement, unchanged base first): chr9-124482974-CA-C. GRCh37 (hg19) VCF-style: chr9-127245253-CA-C.
Other names: short protein forms V390fs.
Identifiers: ClinVar variation 3348690 (VCV003348690.1).
Genomic context (GRCh38, chr9:124,482,974, plus strand): 5'-CGGGTAGTGGCACAGGGTGTAGTCAAGCAGGGCGGCGTTGGCCTTCTCCTGAGCGTCTTT[CA>C]CCAGGATGTGGTTATTCAGGAACTTCAAATCTGCAAAGGGAGGTTCTCGGTCACCATCGC-3'